The following is an entry in ClinVar:

NM_001384474.1(LOXHD1):c.5656T>A (p.Ser1886Thr)

Gene: LOXHD1 (lipoxygenase homology PLAT domains 1; minus strand). Cytogenetic location: 18q21.1.
Variant type: single nucleotide variant.
Coding change: c.5656T>A on transcript NM_001384474.1 (MANE Select); coding-DNA position 5656, T replaced by A.
Protein change: p.Ser1886Thr; replaces serine 1886 with threonine.
Molecular consequence: missense variant.
Genome position (GRCh38, 1-based): chr18:46,507,574, A>T on the plus strand (T>A on the coding strand, the complement: LOXHD1 is on the minus strand). VCF-style: chr18-46507574-A-T. GRCh37 (hg19) VCF-style: chr18-44087537-A-T.
Other names: c.2323T>A, p.Ser775Thr (NM_001145472.3); c.373T>A, p.Ser125Thr (NM_001145473.3, NM_001173129.2); c.2035T>A, p.Ser679Thr (NM_001308013.2); c.5470T>A, p.Ser1824Thr (NM_144612.7); short protein forms S1824T, S125T, S1886T, S679T, S775T.
Identifiers: ClinVar variation 1032448 (VCV001032448.1), dbSNP rs1433984656, ClinGen allele CA402368001.

ClinVar aggregate classification (germline): Uncertain significance (1 of 4 stars; one submission).

Conditions:
Autosomal recessive nonsyndromic hearing loss 77. Identifiers: Orphanet 90636, MedGen C2746083, MONDO:0013119, OMIM 613079.

Allele frequency attached by ClinVar (database versions not stated): gnomAD exomes 0.00001.
gnomAD v4.1: 6 of 1,551,706 alleles (0.00039%); highest among the groups gnomAD compares: Non-Finnish European, 0.00052%; no homozygotes.

Submission:

Baylor Genetics
Classification: Uncertain significance for Autosomal recessive nonsyndromic hearing loss 77. Last evaluated: 2018-04-27. Review status: criteria provided, single submitter. Criteria: ACMG Guidelines, 2015. Collection method: clinical testing. Allele origin: maternal. Affected: yes.
Comment: This variant was determined to be of uncertain significance according to ACMG Guidelines, 2015 [PMID:25741868].